The following is an entry in ClinVar:

ClinVar aggregate classification (germline): Uncertain significance (1 of 4 stars; one submission).

Submission:

Ambry Genetics
Classification: Uncertain significance. Last evaluated: 2022-11-18. Review status: criteria provided, single submitter. Criteria: Ambry Variant Classification Scheme 2023. Collection method: clinical testing. Allele origin: germline.
Comment: The p.S1094P variant (also known as c.3280T>C), located in coding exon 17 of the NPAT gene, results from a T to C substitution at nucleotide position 3280. The serine at codon 1094 is replaced by proline, an amino acid with similar properties. This amino acid position is conserved. In addition, this alteration is predicted to be tolerated by in silico analysis. Since supporting evidence is limited at this time, the clinical significance of this alteration remains unclear.

NM_002519.3(NPAT):c.3280T>C (p.Ser1094Pro)

Gene: NPAT (nuclear protein, coactivator of histone transcription; minus strand). Cytogenetic location: 11q22.3.
Variant type: single nucleotide variant.
Coding change: c.3280T>C on transcript NM_002519.3 (MANE Select); coding-DNA position 3280, T replaced by C.
Protein change: p.Ser1094Pro; replaces serine 1094 with proline.
Molecular consequence: missense variant.
Genome position (GRCh38, 1-based): chr11:108,161,806, A>G on the plus strand (T>C on the coding strand, the complement: NPAT is on the minus strand). VCF-style: chr11-108161806-A-G. GRCh37 (hg19) VCF-style: chr11-108032533-A-G.
Other names: c.3301T>C, p.Ser1101Pro (NM_001321307.1); short protein forms S1094P, S1101P.
Identifiers: ClinVar variation 2496704 (VCV002496704.2), dbSNP rs2496696645, ClinGen allele CA382511151.